The following is an entry in ClinVar:

ClinVar aggregate classification (germline): Conflicting classifications of pathogenicity. Review status: criteria provided, conflicting classifications (1 of 4 stars). 9 submissions from 9 submitters: Uncertain significance (1); Benign (1); Likely benign (4). 3 of the submissions do not count toward it. Last evaluated 2026-02-03.

Conditions:
Inborn genetic diseases. Identifiers: MedGen C0950123, MeSH D030342.
KIAA0586-related disorder. Also called: KIAA0586- Related disorders; KIAA0586-related condition.
Joubert syndrome 23 (JBTS23). Identifiers: Orphanet 475, MedGen C4084822, MONDO:0014664, OMIM 616490.
Short-rib thoracic dysplasia 14 with polydactyly (SRTD14). Identifiers: Orphanet 397715, MedGen C4225286, MONDO:0014688, OMIM 616546.

Allele frequency attached by ClinVar (database versions not stated): 1000 Genomes Project 30x 0.00031; 1000 Genomes Project 0.00040; gnomAD exomes 0.00171 and 0.00279; gnomAD 0.00180 and 0.00184; ExAC 0.00187; ESP Exome Variant Server 0.00197; TOPMed 0.00198.
gnomAD v4.1: 4,329 of 1,613,334 alleles (0.27%); highest among the groups gnomAD compares: Non-Finnish European, 0.33%; 10 homozygotes.

Submissions (9):

Labcorp Genetics (formerly Invitae), Labcorp
Classification: Benign for Joubert syndrome 23; Short-rib thoracic dysplasia 14 with polydactyly. Last evaluated: 2026-02-03. Review status: criteria provided, single submitter. Criteria: Invitae Variant Classification Sherloc (09022015). Collection method: clinical testing. Allele origin: germline.

GeneDx
Classification: Likely benign. Last evaluated: 2025-05-12. Review status: criteria provided, single submitter. Criteria: GeneDx Variant Classification Process June 2021. Collection method: clinical testing. Allele origin: germline. Affected: yes.
Comment: See Variant Classification Assertion Criteria.

Blueprint Genetics
Classification: Likely benign. Last evaluated: 2024-11-26. Review status: criteria provided, single submitter. Criteria: ACMG Guidelines, 2015. Collection method: clinical testing. Allele origin: germline.

CeGaT Center for Human Genetics Tuebingen
Classification: Likely benign. Last evaluated: 2024-09-01. Review status: criteria provided, single submitter. Criteria: CeGaT Center For Human Genetics Tuebingen Variant Classification Criteria Version 2. Collection method: clinical testing. Allele origin: germline. Affected: yes. Observed: 5 variant alleles.
Comment: KIAA0586: BP4, BS2

Ambry Genetics
Classification: Likely benign for Inborn genetic diseases. Last evaluated: 2021-10-19. Review status: criteria provided, single submitter. Criteria: Ambry Variant Classification Scheme 2023. Collection method: clinical testing. Allele origin: germline.

Genetic Services Laboratory, University of Chicago
Classification: Uncertain significance. Last evaluated: 2017-11-09. Review status: criteria provided, single submitter. Criteria: ACMG Guidelines, 2015. Collection method: clinical testing. Allele origin: germline. Affected: no.

PreventionGenetics, part of Exact Sciences
Classification: Likely benign for KIAA0586-related condition. Last evaluated: 2022-07-19. Review status: no assertion criteria provided. Collection method: clinical testing. Allele origin: germline. Not counted in ClinVar's aggregate classification.
Comment: This variant is classified as likely benign based on ACMG/AMP sequence variant interpretation guidelines (Richards et al. 2015 PMID: 25741868, with internal and published modifications).

Clinical Genetics DNA and cytogenetics Diagnostics Lab, Erasmus MC, Erasmus Medical Center
Classification: Likely benign. Review status: no assertion criteria provided. Collection method: clinical testing. Allele origin: germline. Affected: yes. Study: VKGL Data-share Consensus. Not counted in ClinVar's aggregate classification.

Genome Diagnostics Laboratory, University Medical Center Utrecht
Classification: Likely benign. Review status: no assertion criteria provided. Collection method: clinical testing. Allele origin: germline. Affected: yes. Study: VKGL Data-share Consensus. Not counted in ClinVar's aggregate classification.

NM_001329943.3(KIAA0586):c.698G>A (p.Arg233Lys)

Gene: KIAA0586 (KIAA0586; plus strand). Cytogenetic location: 14q23.1.
Variant type: single nucleotide variant.
Coding change: c.698G>A on transcript NM_001329943.3 (MANE Select); coding-DNA position 698, G replaced by A.
Protein change: p.Arg233Lys; replaces arginine 233 with lysine.
Molecular consequence: missense variant.
Genome position (GRCh38, 1-based): chr14:58,444,066, G>A. VCF-style: chr14-58444066-G-A. GRCh37 (hg19) VCF-style: chr14-58910784-G-A.
Other names: c.698G>A (NM_014749.3); c.857G>A, p.Arg286Lys (NM_001244189.2); c.653G>A, p.Arg218Lys (NM_001244190.2); c.443G>A, p.Arg148Lys (NM_001244191.2, NM_001329945.2, NM_001364700.1 and 1 more transcripts); c.566G>A, p.Arg189Lys (NM_001244192.2); c.278G>A, p.Arg93Lys (NM_001244193.2); c.698G>A, p.Arg233Lys (NM_001329944.2, NM_001329946.2, NM_001329947.2 and 1 more transcripts); short protein forms R148K, R218K, R286K, R93K, R189K, R233K.
Identifiers: ClinVar variation 772504 (VCV000772504.48), dbSNP rs193056942, ClinGen allele CA7205452.